The following is an entry in ClinVar:

NM_004380.3(CREBBP):c.5969C>A (p.Thr1990Asn)

Gene: CREBBP (CREB binding lysine acetyltransferase; minus strand). Cytogenetic location: 16p13.3.
Variant type: single nucleotide variant.
Coding change: c.5969C>A on transcript NM_004380.3 (MANE Select); coding-DNA position 5969, C replaced by A.
Protein change: p.Thr1990Asn; replaces threonine 1990 with asparagine.
Molecular consequence: missense variant.
Genome position (GRCh38, 1-based): chr16:3,729,078, G>T on the plus strand (C>A on the coding strand, the complement: CREBBP is on the minus strand). VCF-style: chr16-3729078-G-T. GRCh37 (hg19) VCF-style: chr16-3779079-G-T.
Other names: c.5855C>A, p.Thr1952Asn (NM_001079846.1); short protein forms T1952N, T1990N.
Identifiers: ClinVar variation 4006761 (VCV004006761.2).

ClinVar aggregate classification (germline): Uncertain significance. Review status: criteria provided, multiple submitters, no conflicts (2 of 4 stars). 2 submissions from 2 submitters: Uncertain significance (2). Last evaluated 2025-06-09.

Conditions:
Inborn genetic diseases. Identifiers: MedGen C0950123, MeSH D030342.
Rubinstein-Taybi syndrome (RSTS). Identifiers: Orphanet 783, MedGen C0035934, MONDO:0019188.

gnomAD v4.1: 2 of 1,584,976 alleles (0.00013%); highest among the groups gnomAD compares: Non-Finnish European, 0.00017%; no homozygotes.

Submissions (2):

Labcorp Genetics (formerly Invitae), Labcorp
Classification: Uncertain significance for Rubinstein-Taybi syndrome. Last evaluated: 2025-06-09. Review status: criteria provided, single submitter. Criteria: Invitae Variant Classification Sherloc (09022015). Collection method: clinical testing. Allele origin: germline.
Comment: This sequence change replaces threonine, which is neutral and polar, with asparagine, which is neutral and polar, at codon 1990 of the CREBBP protein (p.Thr1990Asn). This variant is not present in population databases (gnomAD no frequency). This variant has not been reported in the literature in individuals affected with CREBBP-related conditions. Invitae Evidence Modeling of protein sequence and biophysical properties (such as structural, functional, and spatial information, amino acid conservation, physicochemical variation, residue mobility, and thermodynamic stability) indicates that this missense variant is not expected to disrupt CREBBP protein function with a negative predictive value of 95%. In summary, the available evidence is currently insufficient to determine the role of this variant in disease. Therefore, it has been classified as a Variant of Uncertain Significance.

Ambry Genetics
Classification: Uncertain significance for Inborn genetic diseases. Last evaluated: 2025-03-27. Review status: criteria provided, single submitter. Criteria: Ambry Variant Classification Scheme 2023. Collection method: clinical testing. Allele origin: germline.